The following is an entry in ClinVar:

NM_006147.4(IRF6):c.179G>A (p.Trp60Ter)

Gene: IRF6 (interferon regulatory factor 6; minus strand). Cytogenetic location: 1q32.2.
Variant type: single nucleotide variant.
Coding change: c.179G>A on transcript NM_006147.4 (MANE Select); coding-DNA position 179, G replaced by A.
Protein change: p.Trp60Ter; replaces tryptophan 60 with a stop codon.
Molecular consequence: nonsense. On other transcripts: 5 prime UTR variant (1).
Genome position (GRCh38, 1-based): chr1:209,796,548, C>T on the plus strand (G>A on the coding strand, the complement: IRF6 is on the minus strand). VCF-style: chr1-209796548-C-T. GRCh37 (hg19) VCF-style: chr1-209969893-C-T.
Other names: c.-107G>A (NM_001206696.2); short protein forms W60*.
Identifiers: ClinVar variation 851809 (VCV000851809.10), dbSNP rs2077902428, ClinGen allele CA344583821.

ClinVar aggregate classification (germline): Pathogenic (1 of 4 stars; one submission).

Conditions:
Van der Woude syndrome. Identifiers: Orphanet 888, MedGen C0175697, MONDO:0019508.
Orofacial cleft 6, susceptibility to (OFC6). Also called: CLEFT LIP WITH OR WITHOUT CLEFT PALATE, NONSYNDROMIC, 6. Identifiers: MedGen C1837213, MONDO:0012141, OMIM 608864.
Popliteal pterygium syndrome (PPS). Identifiers: Orphanet 294963, MedGen C0265259, MONDO:0017435.

Submission:

Labcorp Genetics (formerly Invitae), Labcorp
Classification: Pathogenic for Orofacial cleft 6, susceptibility to; Van der Woude syndrome; Popliteal pterygium syndrome. Last evaluated: 2019-01-31. Review status: criteria provided, single submitter. Criteria: Invitae Variant Classification Sherloc (09022015). Collection method: clinical testing. Allele origin: germline.
Comment: This sequence change creates a premature translational stop signal (p.Trp60*) in the IRF6 gene. It is expected to result in an absent or disrupted protein product. This variant is not present in population databases (ExAC no frequency). This variant has been observed in an individual affected with an IRF6-related condition (PMID: 23154523). Loss-of-function variants in IRF6 are known to be pathogenic (PMID: 19282774, 23949966). For these reasons, this variant has been classified as Pathogenic.

Literature cited by the submitters: PubMed 23154523; PubMed 19282774; PubMed 23949966.